The following is an entry in ClinVar:

NM_000132.4(F8):c.1700T>C (p.Ile567Thr)

Gene: F8 (coagulation factor VIII; minus strand). Cytogenetic location: Xq28.
Variant type: single nucleotide variant.
Coding change: c.1700T>C on transcript NM_000132.4 (MANE Select); coding-DNA position 1700, T replaced by C.
Protein change: p.Ile567Thr; replaces isoleucine 567 with threonine.
Molecular consequence: missense variant.
Genome position (GRCh38, 1-based): chrX:154,957,009, A>G on the plus strand (T>C on the coding strand, the complement: F8 is on the minus strand). VCF-style: chrX-154957009-A-G. GRCh37 (hg19) VCF-style: chrX-154185284-A-G.
Other names: short protein forms I567T.
Identifiers: ClinVar variation 627015 (VCV000627015.4), dbSNP rs782193428, ClinGen allele CA10568419.
Genomic context (GRCh38, chrX:154,957,009, plus strand): 5'-GAACTCACCTGGTTTCCTCTTTGATCTACAGATTCTTTGTAGCAGATGAGGAGAGGGCCA[A>G]TGAGTCCTGAAGCTAGATCTCTCTCCATATTAACGAAACTAGAGTAATAGCGGGTCAGGC-3'
Protein context (NP_000123.1, residues 557-577): NMERDLASGL[Ile567Thr]GPLLICYKES

ClinVar aggregate classification (germline): Likely pathogenic. Review status: criteria provided, multiple submitters, no conflicts (2 of 4 stars). 2 submissions from 2 submitters: Likely pathogenic (2). Last evaluated 2024-02-20.

Conditions:
Hereditary factor IX deficiency disease (HEMB). Also called: Hemophilia B; F9 DEFICIENCY; FACTOR IX DEFICIENCY; PLASMA THROMBOPLASTIN COMPONENT DEFICIENCY; Christmas Disease. Identifiers: Orphanet 98879, MedGen C0008533, MeSH D002836, MONDO:0010604, OMIM 306900.
Hereditary factor VIII deficiency disease (HEMA). Also called: Hemophilia A, congenital; HEM A; Factor 8 deficiency, congenital; HEMOPHILIA, CLASSIC; Hemophilia A; AUTOSOMAL HEMOPHILIA A. Identifiers: Orphanet 98878, MedGen C0019069, MONDO:0010602, OMIM 306700.

Allele frequency attached by ClinVar (database versions not stated): gnomAD exomes below 0.00001 and 0.00001; ExAC 0.00001; gnomAD 0.00003 and 0.00004; TOPMed 0.00003.
gnomAD v4.1: 7 of 1,209,665 alleles (0.00058%); highest among the groups gnomAD compares: Admixed American, 0.0022%; no homozygotes.

Submissions (2):

Women's Health and Genetics/Laboratory Corporation of America, LabCorp
Classification: Likely pathogenic for Hereditary factor VIII deficiency disease. Last evaluated: 2024-02-20. Review status: criteria provided, single submitter. Criteria: LabCorp Variant Classification Summary - May 2015. Collection method: clinical testing. Allele origin: germline.
Comment: Variant summary: F8 c.1700T>C (p.Ile567Thr) results in a non-conservative amino acid change located in the Multicopper oxidase-like, N-terminal domain (IPR011707) of the encoded protein sequence. Five of five in-silico tools predict a damaging effect of the variant on protein function. The variant allele was found at a frequency of 5.5e-06 in 183403 control chromosomes, including one hemizygous male (gnomAD). c.1700T>C has been reported in the literature in multiple individuals affected with mild Factor VIII Deficiency (Hemophilia A; e.g. Johnson_2017, Downes_2019, EAHAD F8 database). These data indicate that the variant is very likely to be associated with disease. To our knowledge, no experimental evidence demonstrating an impact on protein function has been reported. The following publications have been ascertained in the context of this evaluation (PMID: 31064749, 29296726). ClinVar contains an entry for this variant (Variation ID: 627015). Based on the evidence outlined above, the variant was classified as likely pathogenic.

NIHR Bioresource Rare Diseases, University of Cambridge
Classification: Likely pathogenic for Hereditary factor IX deficiency disease. Last evaluated: 2019-02-01. Review status: criteria provided, single submitter. Criteria: ACMG Guidelines, 2015. Collection method: research. Allele origin: unknown. Affected: yes. Observed: 1 hemizygote. Study: ThromboGenomics.

Literature cited by the submitters: PubMed 31064749 (cited by Women's Health and Genetics/Laboratory Corporation of America, LabCorp and NIHR Bioresource Rare Diseases, University of Cambridge); PubMed 29296726 (cited by Women's Health and Genetics/Laboratory Corporation of America, LabCorp).